The following is an entry in ClinVar:

NM_007294.4(BRCA1):c.4460A>G (p.Lys1487Arg)

Gene: BRCA1 (BRCA1 DNA repair associated; minus strand). Cytogenetic location: 17q21.31.
Variant type: single nucleotide variant.
Coding change: c.4460A>G on transcript NM_007294.4 (MANE Select); coding-DNA position 4460, A replaced by G.
Protein change: p.Lys1487Arg; replaces lysine 1487 with arginine.
Molecular consequence: missense variant. On other transcripts: non-coding transcript variant (1).
Genome position (GRCh38, 1-based): chr17:43,076,512, T>C on the plus strand (A>G on the coding strand, the complement: BRCA1 is on the minus strand). VCF-style: chr17-43076512-T-C. GRCh37 (hg19) VCF-style: chr17-41228529-T-C.
Other names: c.4331A>G, p.Lys1444Arg (NM_001407683.1, NM_001407685.1, NM_001407686.1 and 6 more transcripts); c.4460A>G, p.Lys1487Arg (NM_001407684.1, NM_001407596.1, NM_001407597.1 and 8 more transcripts); c.4328A>G, p.Lys1443Arg (NM_001407690.1, NM_001407691.1); c.4319A>G, p.Lys1440Arg (NM_001407692.1, NM_001407728.1, NM_001407729.1 and 13 more transcripts); c.1148A>G, p.Lys383Arg (NM_001407979.1, NM_001407980.1, NM_001407981.1 and 13 more transcripts); c.1007A>G, p.Lys336Arg (NM_001408462.1, NM_001408463.1, NM_001408464.1 and 7 more transcripts); c.1004A>G, p.Lys335Arg (NM_001408468.1, NM_001408469.1, NM_001408470.1); c.4457A>G, p.Lys1486Arg (NM_001407610.1, NM_001407611.1, NM_001407612.1 and 17 more transcripts); and 68 more; short protein forms K1487R, K1440R, K1508R, K383R, K1190R, K1318R, K1360R, K1374R.
Identifiers: ClinVar variation 55206 (VCV000055206.20), dbSNP rs80357126, ClinGen allele CA002861.

ClinVar aggregate classification (germline): Uncertain significance. Review status: criteria provided, multiple submitters, no conflicts (2 of 4 stars). 7 submissions from 7 submitters: Uncertain significance (5). 2 of the submissions do not count toward it. Last evaluated 2024-03-19.

Conditions:
Hereditary cancer-predisposing syndrome. Also called: Hereditary Cancer Syndrome; Hereditary neoplastic syndrome; Neoplastic Syndromes, Hereditary; Tumor predisposition. Identifiers: Orphanet 140162, MedGen C0027672, MeSH D009386, MONDO:0015356.
Hereditary breast ovarian cancer syndrome. Also called: BRCA1- and BRCA2-Associated Hereditary Breast and Ovarian Cancer; Hereditary breast and ovarian cancer syndrome; Hereditary breast and ovarian cancer syndrome (HBOC); Breast and ovarian cancer; Hereditary breast and/or ovarian cancer syndrome; Hereditary breast and ovarian cancer. Identifiers: Orphanet 145, MedGen C0677776, MeSH D061325, MONDO:0003582. Disease mechanism: loss of function.
Breast-ovarian cancer, familial, susceptibility to, 1 (BROVCA1). Also called: BRCA1 Hereditary Breast and Ovarian Cancer; OVARIAN CANCER, SUSCEPTIBILITY TO. Identifiers: Orphanet 145, MedGen C2676676, MONDO:0011450, OMIM 604370. Disease mechanism: loss of function.

Submissions (7):

Color Diagnostics, LLC DBA Color Health
Classification: Uncertain significance for Hereditary cancer-predisposing syndrome. Last evaluated: 2024-03-19. Review status: criteria provided, single submitter. Criteria: ACMG Guidelines, 2015. Collection method: clinical testing. Allele origin: germline.
Comment: This missense variant replaces lysine with arginine at codon 1487 of the BRCA1 protein. Computational prediction suggests that this variant may not impact protein structure and function. Functional studies reported this variant does not impact BRCA1 function or have inconclusive impact in transcription activation assays (PMID: 18992264, 28781887, 30765603). This variant has been reported in two individuals affected with breast cancer and in two suspected hereditary breast and ovarian cancer families (PMID: 18992264, 27062684, 32879886). This variant has not been identified in the general population by the Genome Aggregation Database (gnomAD). The available evidence is insufficient to determine the role of this variant in disease conclusively. Therefore, this variant is classified as a Variant of Uncertain Significance.

Labcorp Genetics (formerly Invitae), Labcorp
Classification: Uncertain significance for Hereditary breast ovarian cancer syndrome. Last evaluated: 2022-10-10. Review status: criteria provided, single submitter. Criteria: Invitae Variant Classification Sherloc (09022015). Collection method: clinical testing. Allele origin: germline.
Comment: ClinVar contains an entry for this variant (Variation ID: 55206). In summary, the available evidence is currently insufficient to determine the role of this variant in disease. Therefore, it has been classified as a Variant of Uncertain Significance. Experimental studies are conflicting or provide insufficient evidence to determine the effect of this variant on BRCA1 function (PMID: 18992264, 21447777, 24845084, 30765603). Advanced modeling of protein sequence and biophysical properties (such as structural, functional, and spatial information, amino acid conservation, physicochemical variation, residue mobility, and thermodynamic stability) performed at Invitae indicates that this missense variant is not expected to disrupt BRCA1 protein function. This missense change has been observed in individual(s) with breast and/or ovarian cancer (PMID: 27062684, 32879886). This variant is not present in population databases (gnomAD no frequency). This sequence change replaces lysine, which is basic and polar, with arginine, which is basic and polar, at codon 1487 of the BRCA1 protein (p.Lys1487Arg).

Women's Health and Genetics/Laboratory Corporation of America, LabCorp
Classification: Uncertain significance. Last evaluated: 2020-02-12. Review status: criteria provided, single submitter. Criteria: LabCorp Variant Classification Summary - May 2015. Collection method: clinical testing. Allele origin: germline.
Comment: Variant summary: BRCA1 c.4460A>G (p.Lys1487Arg) results in a conservative amino acid change in the encoded protein sequence. Five of five in-silico tools predict a benign effect of the variant on protein function. The variant was absent in 251276 control chromosomes (gnomAD). The available data on variant occurrences in the general population are insufficient to allow any conclusion about variant significance. c.4460A>G has been reported in the literature in individuals affected with Hereditary Breast and Ovarian Cancer (Carvalho_2009, Azzollini_2016). These report(s) do not provide unequivocal conclusions about association of the variant with Hereditary Breast and Ovarian Cancer. At least one publication reports experimental evidence evaluating an impact on protein function, and demonstrated that the variant resulted in about 50-60% residual transactivation activity (Carvalho_2009), however based on these data, using a computational tool (VarCall) the variant was predicted to be likely not pathogenic (Woods_2016, Fernandes_2019). Three clinical diagnostic laboratories have submitted clinical-significance assessments for this variant to ClinVar after 2014 without evidence for independent evaluation. All laboratories classified the variant as uncertain significance. Based on the evidence outlined above, the variant was classified as uncertain significance.

GeneDx
Classification: Uncertain significance. Last evaluated: 2019-11-15. Review status: criteria provided, single submitter. Criteria: GeneDx Variant Classification Process June 2021. Collection method: clinical testing. Allele origin: germline. Affected: yes.
Comment: Not observed in large population cohorts (Lek et al., 2016); In silico analysis, which includes protein predictors and evolutionary conservation, supports that this variant does not alter protein structure/function; This variant is associated with the following publications: (PMID: 27062684, 15235020, 18992264, 21447777, 30765603, 29884841)

Ambry Genetics
Classification: Uncertain significance for Hereditary cancer-predisposing syndrome. Last evaluated: 2016-08-23. Review status: criteria provided, single submitter. Criteria: Ambry Variant Classification Scheme 2023. Collection method: clinical testing. Allele origin: germline.
Comment: The p.K1487R variant (also known as c.4460A>G), located in coding exon 12 of the BRCA1 gene, results from an A to G substitution at nucleotide position 4460. The lysine at codon 1487 is replaced by arginine, an amino acid with highly similar properties. A functional evaluation of the transactivation activity of this alteration was inconclusive as this variant displayed ~50% of the wild type activity, which was considered the threshold for classification into deleterious or neutral (Carvalho M et al. Mutat. Res., 2009 Jan;660:1-11). This alteration has also been classified as likely to be neutral or of little clinical significance based on a classification system using interspecific sequence variation (Abkevich V et al. J. Med. Genet., 2004 Jul;41:492-507). Further, a computational study reported this alteration as a variant of uncertain significance based on data derived from an in vitro functional assay (Iversen ES et al. Cancer Epidemiol. Biomarkers Prev., 2011 Jun;20:1078-88). This amino acid position is not well conserved in available vertebrate species. In addition, the in silico prediction for this alteration is inconclusive. Since supporting evidence is limited at this time, the clinical significance of this alteration remains unclear.

Sharing Clinical Reports Project (SCRP)
Classification: Uncertain significance for Breast-ovarian cancer, familial 1. Last evaluated: 2012-05-01. Review status: no assertion criteria provided. Collection method: clinical testing. Allele origin: germline. Not counted in ClinVar's aggregate classification.

Breast Cancer Information Core (BIC) (BRCA1)
Classification: Uncertain significance for Breast-ovarian cancer, familial 1. Last evaluated: 2004-02-20. Review status: no assertion criteria provided. Collection method: clinical testing. Allele origin: germline. Affected: yes. Observed: 1 variant allele. Not counted in ClinVar's aggregate classification.

Literature cited by the submitters: PubMed 18992264 (cited by 4 submitters); PubMed 27062684 (cited by 3 submitters); PubMed 28781887 (cited by Color Diagnostics, LLC DBA Color Health and Women's Health and Genetics/Laboratory Corporation of America, LabCorp); PubMed 30765603 (cited by 3 submitters); PubMed 32879886 (cited by Color Diagnostics, LLC DBA Color Health and Labcorp Genetics (formerly Invitae), Labcorp); PubMed 21447777 (cited by Labcorp Genetics (formerly Invitae), Labcorp and Ambry Genetics); PubMed 24845084 (cited by Labcorp Genetics (formerly Invitae), Labcorp); PubMed 15235020 (cited by Ambry Genetics).